The following is an entry in ClinVar:

NM_001144937.3(FNDC7):c.429C>T (p.Ser143=)

Gene: FNDC7 (fibronectin type III domain containing 7; plus strand). Cytogenetic location: 1p13.3.
Variant type: single nucleotide variant.
Coding change: c.429C>T on transcript NM_001144937.3 (MANE Select); coding-DNA position 429, C replaced by T.
Protein change: p.Ser143=; no amino-acid change (serine 143 retained).
Molecular consequence: synonymous variant.
Genome position (GRCh38, 1-based): chr1:108,718,880, C>T. VCF-style: chr1-108718880-C-T. GRCh37 (hg19) VCF-style: chr1-109261502-C-T.
Identifiers: ClinVar variation 2638964 (VCV002638964.24), dbSNP rs61739598, ClinGen allele CA980861.
Genomic context (GRCh38, chr1:108,718,880, plus strand): 5'-TCCAAGTTCAGACTCCATTCTTGTGCAGTGGGAAGCTGTATATATGGCAATTGCATTCTC[C>T]GTGTCCATTATGCGAGCCAATGGCTTGGGGAGTATATGGAAAGAGAATACTACAAACACC-3'
Protein context (NP_001138409.1, residues 133-153): WEAVYMAIAF[Ser143=]VSIMRANGLG

ClinVar aggregate classification (germline): Likely benign (1 of 4 stars; one submission).

Allele frequency attached by ClinVar (database versions not stated): 1000 Genomes Project 30x 0.00078; ExAC 0.00078; 1000 Genomes Project 0.00080; gnomAD 0.00136; TOPMed 0.00150; ESP Exome Variant Server 0.00153.
gnomAD v4.1: 3,094 of 1,551,618 alleles (0.2%); highest among the groups gnomAD compares: Non-Finnish European, 0.25%; 5 homozygotes.

Submission:

CeGaT Center for Human Genetics Tuebingen
Classification: Likely benign. Last evaluated: 2023-03-01. Review status: criteria provided, single submitter. Criteria: CeGaT Center For Human Genetics Tuebingen Variant Classification Criteria Version 2. Collection method: clinical testing. Allele origin: germline. Affected: yes. Observed: 1 variant allele.
Comment: FNDC7: BP4, BP7